The following is an entry in ClinVar:

ClinVar aggregate classification (germline): Pathogenic (1 of 4 stars; one submission).

Allele frequency attached by ClinVar (database versions not stated): TOPMed 0.00001.

Submission:

Labcorp Genetics (formerly Invitae), Labcorp
Classification: Pathogenic. Last evaluated: 2023-07-17. Review status: criteria provided, single submitter. Criteria: Invitae Variant Classification Sherloc (09022015). Collection method: clinical testing. Allele origin: germline.
Comment: This sequence change creates a premature translational stop signal (p.Arg5*) in the GRHPR gene. It is expected to result in an absent or disrupted protein product. Loss-of-function variants in GRHPR are known to be pathogenic (PMID: 25644115). This variant is not present in population databases (gnomAD no frequency). This variant has not been reported in the literature in individuals affected with GRHPR-related conditions. ClinVar contains an entry for this variant (Variation ID: 649477). For these reasons, this variant has been classified as Pathogenic.

Literature cited by the submitters: PubMed 25644115.

NM_012203.2(GRHPR):c.13C>T (p.Arg5Ter)

Gene: GRHPR (glyoxylate and hydroxypyruvate reductase; plus strand). Cytogenetic location: 9p13.2.
Variant type: single nucleotide variant.
Coding change: c.13C>T on transcript NM_012203.2 (MANE Select); coding-DNA position 13, C replaced by T.
Protein change: p.Arg5Ter; replaces arginine 5 with a stop codon.
Molecular consequence: nonsense.
Genome position (GRCh38, 1-based): chr9:37,422,763, C>T. VCF-style: chr9-37422763-C-T. GRCh37 (hg19) VCF-style: chr9-37422760-C-T.
Other names: short protein forms R5*.
Identifiers: ClinVar variation 649477 (VCV000649477.6), dbSNP rs979727637, ClinGen allele CA373441182.
Genomic context (GRCh38, chr9:37,422,763, plus strand): 5'-CGGGCCAGCTTCTGTACTGCCAGGTCCGGGTCGGCGGCTGCACTGCGGATGAGACCGGTG[C>T]GACTCATGAAGGTGTTCGTCACCCGCAGGATACCCGCCGAGGGTAGGGTCGCGCTCGCCC-3'